The following is an entry in ClinVar:

ClinVar aggregate classification (germline): Likely benign. Review status: criteria provided, multiple submitters, no conflicts (2 of 4 stars). 3 submissions from 3 submitters: Likely benign (2). 1 of the submissions does not count toward it. Last evaluated 2025-11-17.

Conditions:
ITGA7-related disorder. Also called: ITGA7-related condition.
Congenital muscular dystrophy due to integrin alpha-7 deficiency. Also called: Congenital muscular dystrophy with integrin alpha-7 deficiency; Muscular dystrophy, congenital, due to ITGA7 deficiency; MYOPATHY, CONGENITAL, DUE TO INTEGRIN ALPHA-7 DEFICIENCY. Identifiers: Orphanet 34520, MedGen C2750786, MONDO:0013177, OMIM 613204.

Allele frequency attached by ClinVar (database versions not stated): TOPMed 0.00002; gnomAD 0.00003 and 0.00004; ExAC 0.00004; gnomAD exomes 0.00005 and 0.00007; ESP Exome Variant Server 0.00031.
gnomAD v4.1: 104 of 1,614,034 alleles (0.0064%); highest among the groups gnomAD compares: Middle Eastern, 0.016%; no homozygotes.

Submissions (3):

Labcorp Genetics (formerly Invitae), Labcorp
Classification: Likely benign for Congenital muscular dystrophy due to integrin alpha-7 deficiency. Last evaluated: 2025-11-17. Review status: criteria provided, single submitter. Criteria: Invitae Variant Classification Sherloc (09022015). Collection method: clinical testing. Allele origin: germline.

Blueprint Genetics
Classification: Likely benign. Last evaluated: 2024-10-02. Review status: criteria provided, single submitter. Criteria: ACMG Guidelines, 2015. Collection method: clinical testing. Allele origin: germline.

PreventionGenetics, part of Exact Sciences
Classification: Likely benign for ITGA7-related condition. Last evaluated: 2020-03-25. Review status: no assertion criteria provided. Collection method: clinical testing. Allele origin: germline. Not counted in ClinVar's aggregate classification.
Comment: This variant is classified as likely benign based on ACMG/AMP sequence variant interpretation guidelines (Richards et al. 2015 PMID: 25741868, with internal and published modifications).

NM_002206.3(ITGA7):c.954C>T (p.Ser318=)

Gene: ITGA7 (integrin subunit alpha 7; minus strand). Cytogenetic location: 12q13.2.
Variant type: single nucleotide variant.
Coding change: c.954C>T on transcript NM_002206.3 (MANE Select); coding-DNA position 954, C replaced by T.
Protein change: p.Ser318=; no amino-acid change (serine 318 retained).
Molecular consequence: synonymous variant. On other transcripts: 5 prime UTR variant (1).
Genome position (GRCh38, 1-based): chr12:55,698,754, G>A on the plus strand (C>T on the coding strand, the complement: ITGA7 is on the minus strand). VCF-style: chr12-55698754-G-A. GRCh37 (hg19) VCF-style: chr12-56092538-G-A.
Other names: c.966C>T, p.Ser322= (NM_001144996.2, NM_001414029.1, NM_001414030.1); c.675C>T, p.Ser225= (NM_001144997.2); c.627C>T, p.Ser209= (NM_001367993.1); c.-339C>T (NM_001367994.1); c.954C>T, p.Ser318= (NM_001374465.1, NM_001414031.1, NM_001414034.1); c.1086C>T, p.Ser362= (NM_001410977.1); c.834C>T, p.Ser278= (NM_001414032.1); c.771C>T, p.Ser257= (NM_001414033.1); and 1 more.
Identifiers: ClinVar variation 702315 (VCV000702315.14), dbSNP rs146864775, ClinGen allele CA6616101.